The following is an entry in ClinVar:

NM_000107.3(DDB2):c.128-84T>G

Gene: DDB2 (damage specific DNA binding protein 2; plus strand). Cytogenetic location: 11p11.2.
Variant type: single nucleotide variant.
Coding change: c.128-84T>G on transcript NM_000107.3 (MANE Select); 84 bases into the intron before coding-DNA position 128, T replaced by G.
Molecular consequence: intron variant.
Genome position (GRCh38, 1-based): chr11:47,216,252, T>G. VCF-style: chr11-47216252-T-G. GRCh37 (hg19) VCF-style: chr11-47237803-T-G.
Other names: c.128-84T>G (NM_001300734.2).
Identifiers: ClinVar variation 135511 (VCV000135511.3), dbSNP rs56310830, ClinGen allele CA162966.

ClinVar aggregate classification (germline): Likely benign. Review status: criteria provided, single submitter (1 of 4 stars). 2 submissions from 2 submitters: Likely benign (1). 1 of the submissions does not count toward it. Last evaluated 2020-12-10.

Allele frequency attached by ClinVar (database versions not stated): gnomAD exomes 0.00070 and 0.00168; ExAC 0.00201; gnomAD 0.00630 and 0.00685; 1000 Genomes Project 0.00639; 1000 Genomes Project 30x 0.00671; TOPMed 0.00735.
gnomAD v4.1: 2,041 of 1,601,008 alleles (0.13%); highest among the groups gnomAD compares: African/African-American, 2.3%; 20 homozygotes.

Submissions (2):

GeneDx
Classification: Likely benign. Last evaluated: 2020-12-10. Review status: criteria provided, single submitter. Criteria: GeneDx Variant Classification Process June 2021. Collection method: clinical testing. Allele origin: germline. Affected: yes.

ITMI
No classification provided. Condition: AllHighlyPenetrant. Last evaluated: 2013-09-19. Review status: no classification provided. Collection method: reference population. Allele origin: germline. Not counted in ClinVar's aggregate classification.
Comment: Please see associated publication for description of ethnicities

Literature cited by the submitters: PubMed 24728327 (cited by ITMI).